The following is an entry in ClinVar:

ClinVar aggregate classification (germline): Pathogenic (1 of 4 stars; one submission).

Conditions:
Hereditary factor IX deficiency disease (HEMB). Also called: Christmas Disease; F9 DEFICIENCY; FACTOR IX DEFICIENCY; PLASMA THROMBOPLASTIN COMPONENT DEFICIENCY; Hemophilia B. Identifiers: Orphanet 98879, MedGen C0008533, MeSH D002836, MONDO:0010604, OMIM 306900.

Submission:

Women's Health and Genetics/Laboratory Corporation of America, LabCorp
Classification: Pathogenic for Hereditary factor IX deficiency disease. Last evaluated: 2025-10-27. Review status: criteria provided, single submitter. Criteria: LabCorp Variant Classification Summary - May 2015. Collection method: clinical testing. Allele origin: germline.
Comment: Variant summary: F9 c.1056T>A (p.Tyr352X) results in a premature termination codon, and although it is not predicted to cause absence of the protein due to nonsense mediated decay, it is expected to result in a truncation of the encoded protein, which is a commonly known mechanism for disease. Variants downstream of this position have been classified as pathogenic by our laboratory. The variant was absent in 183294 control chromosomes. c.1056T>A has been observed in individuals affected with severe Factor IX Deficiency (Hemophilia B) (e.g. Thompson_1992, Yu_2012). These data indicate that the variant is likely associated with disease. To our knowledge, no experimental evidence demonstrating an impact on protein function has been reported. The following publications have been ascertained in the context of this evaluation (PMID: 1579901, 28193338). No submitters have cited clinical-significance assessments for this variant to ClinVar. Based on the evidence outlined above, the variant was classified as pathogenic.

Literature cited by the submitters: PubMed 28193338; PubMed 1579901.

NM_000133.4(F9):c.1056T>A (p.Tyr352Ter)

Gene: F9 (coagulation factor IX; plus strand). Cytogenetic location: Xq27.1.
Variant type: single nucleotide variant.
Coding change: c.1056T>A on transcript NM_000133.4 (MANE Select); coding-DNA position 1056, T replaced by A.
Protein change: p.Tyr352Ter; replaces tyrosine 352 with a stop codon.
Molecular consequence: nonsense.
Genome position (GRCh38, 1-based): chrX:139,561,741, T>A. VCF-style: chrX-139561741-T-A. GRCh37 (hg19) VCF-style: chrX-138643900-T-A.
Other names: c.942T>A, p.Tyr314Ter (NM_001313913.2); short protein forms Y314*, Y352*.
Identifiers: ClinVar variation 4687744 (VCV004687744.1).